The following is an entry in ClinVar:

ClinVar aggregate classification (germline): Pathogenic (1 of 4 stars; one submission).

Conditions:
Emery-Dreifuss muscular dystrophy 4, autosomal dominant (EDMD4). Also called: EMERY-DREIFUSS MUSCULAR DYSTROPHY 4 WITH VARIABLE FEATURES. Identifiers: Orphanet 261, MedGen C2751807, MONDO:0013071, OMIM 612998.
Autosomal recessive ataxia, Beauce type. Also called: Spinocerebellar ataxia, autosomal recessive 8; ATAXIA, RECESSIVE, OF BEAUCE; SYNE1-Related Autosomal Recessive Cerebellar Ataxia; SYNE1 Deficiency. Identifiers: Orphanet 88644, MedGen C1853116, MONDO:0012549, OMIM 610743.

Submission:

Labcorp Genetics (formerly Invitae), Labcorp
Classification: Pathogenic for Emery-Dreifuss muscular dystrophy 4, autosomal dominant; Autosomal recessive ataxia, Beauce type. Last evaluated: 2023-07-19. Review status: criteria provided, single submitter. Criteria: Invitae Variant Classification Sherloc (09022015). Collection method: clinical testing. Allele origin: germline.
Comment: For these reasons, this variant has been classified as Pathogenic. This variant has not been reported in the literature in individuals affected with SYNE1-related conditions. This variant is not present in population databases (gnomAD no frequency). This sequence change creates a premature translational stop signal (p.Asp4226Glufs*10) in the SYNE1 gene. It is expected to result in an absent or disrupted protein product. Loss-of-function variants in SYNE1 are known to be pathogenic (PMID: 19542096, 24319099, 27086870).

Literature cited by the submitters: PubMed 19542096; PubMed 24319099; PubMed 27086870.

NM_182961.4(SYNE1):c.12891_12901del (p.Asp4297fs)

Gene: SYNE1 (spectrin repeat containing nuclear envelope protein 1; minus strand). Cytogenetic location: 6q25.2.
Variant type: Deletion.
Coding change: c.12891_12901del on transcript NM_182961.4 (MANE Select); coding-DNA positions 12891 to 12901, 11 bases deleted (TCAAAAGCAGA).
Protein change: p.Asp4297fs; shifts the reading frame from aspartic acid 4297.
Molecular consequence: frameshift variant.
Genome position (GRCh38, 1-based): chr6:152,331,784-152,331,794, TCTGCTTTTGA deleted on the plus strand (TCAAAAGCAGA on the coding strand, the reverse complement: SYNE1 is on the minus strand); deleting any 11 consecutive bases within chr6:152,331,784-152,331,797 gives the same sequence; the c. name uses the placement nearest the transcript's 3' end. VCF-style (leftmost placement, unchanged base first): chr6-152331783-TTCTGCTTTTGA-T. GRCh37 (hg19) VCF-style: chr6-152652918-TTCTGCTTTTGA-T.
Other names: c.12678_12688del, p.Asp4226fs (NM_033071.5); short protein forms D4297fs, D4226fs.
Identifiers: ClinVar variation 2948382 (VCV002948382.3), dbSNP rs2485345197, ClinGen allele CA2740091512.